The following is an entry in ClinVar:

ClinVar aggregate classification (germline): Uncertain significance (1 of 4 stars; one submission).

Conditions:
Intellectual disability, autosomal recessive 53 (NEDHSCA). Also called: Mental retardation, autosomal recessive 53; GLYCOSYLPHOSPHATIDYLINOSITOL BIOSYNTHESIS DEFECT 13; NEURODEVELOPMENTAL DISORDER WITH OR WITHOUT HYPOTONIA, SEIZURES, AND CEREBELLAR ATROPHY. Identifiers: Orphanet 488635, MedGen C4310794, MONDO:0014832, OMIM 616917.

Submission:

Labcorp Genetics (formerly Invitae), Labcorp
Classification: Uncertain significance for Intellectual disability, autosomal recessive 53. Last evaluated: 2020-02-18. Review status: criteria provided, single submitter. Criteria: Invitae Variant Classification Sherloc (09022015). Collection method: clinical testing. Allele origin: germline.
Comment: This sequence change replaces aspartic acid with valine at codon 876 of the PIGG protein (p.Asp876Val). The aspartic acid residue is weakly conserved and there is a large physicochemical difference between aspartic acid and valine. This variant is not present in population databases (ExAC no frequency). This variant has not been reported in the literature in individuals with PIGG-related conditions. Algorithms developed to predict the effect of missense changes on protein structure and function are either unavailable or do not agree on the potential impact of this missense change (SIFT: "Deleterious"; PolyPhen-2: "Possibly Damaging"; Align-GVGD: "Class C0"). In summary, the available evidence is currently insufficient to determine the role of this variant in disease. Therefore, it has been classified as a Variant of Uncertain Significance.

NM_001127178.3(PIGG):c.2627A>T (p.Asp876Val)

Gene: PIGG (phosphatidylinositol glycan anchor biosynthesis class G (EMM blood group); plus strand). Cytogenetic location: 4p16.3.
Variant type: single nucleotide variant.
Coding change: c.2627A>T on transcript NM_001127178.3 (MANE Select); coding-DNA position 2627, A replaced by T.
Protein change: p.Asp876Val; replaces aspartic acid 876 with valine.
Molecular consequence: missense variant. On other transcripts: non-coding transcript variant (10).
Genome position (GRCh38, 1-based): chr4:533,873, A>T. VCF-style: chr4-533873-A-T. GRCh37 (hg19) VCF-style: chr4-527662-A-T.
Other names: c.2360A>T, p.Asp787Val (NM_001289051.2, NM_001345986.2); c.2228A>T, p.Asp743Val (NM_001289052.2); c.2336A>T, p.Asp779Val (NM_001345987.2); c.1598A>T, p.Asp533Val (NM_001345988.2); c.1094A>T, p.Asp365Val (NM_001345990.2, NM_001345991.2); c.1529A>T, p.Asp510Val (NM_001345994.2); c.2603A>T, p.Asp868Val (NM_017733.5); short protein forms D365V, D510V, D533V, D743V, D779V, D787V, D868V, D876V.
Identifiers: ClinVar variation 1052057 (VCV001052057.11), dbSNP rs2109033908, ClinGen allele CA355911077.